The following is an entry in ClinVar:

NM_000252.3(MTM1):c.301A>C (p.Ser101Arg)

Gene: MTM1 (myotubularin 1; plus strand). Cytogenetic location: Xq28.
Variant type: single nucleotide variant.
Coding change: c.301A>C on transcript NM_000252.3 (MANE Select); coding-DNA position 301, A replaced by C.
Protein change: p.Ser101Arg; replaces serine 101 with arginine.
Molecular consequence: missense variant. On other transcripts: intron variant (1).
Genome position (GRCh38, 1-based): chrX:150,614,658, A>C. VCF-style: chrX-150614658-A-C. GRCh37 (hg19) VCF-style: chrX-149783131-A-C.
Other names: c.301A>C, p.Ser101Arg (NM_001376906.1, NM_001376908.1); c.232-4380A>C (NM_001376907.1); short protein forms S101R.
Identifiers: ClinVar variation 4530772 (VCV004530772.1).

ClinVar aggregate classification (germline): Uncertain significance (1 of 4 stars; one submission).

Submission:

GeneDx
Classification: Uncertain significance. Last evaluated: 2025-05-23. Review status: criteria provided, single submitter. Criteria: GeneDx Variant Classification Process June 2021. Collection method: clinical testing. Allele origin: germline. Affected: yes.
Comment: Not observed at significant frequency in large population cohorts (gnomAD); In silico analysis supports that this missense variant has a deleterious effect on protein structure/function; Has not been previously published as pathogenic or benign to our knowledge